The following is an entry in ClinVar:

ClinVar aggregate classification (germline): Uncertain significance (1 of 4 stars; one submission).

Allele frequency attached by ClinVar (database versions not stated): ExAC 0.00001; gnomAD 0.00003; TOPMed 0.00003.
gnomAD v4.1: 6 of 1,614,086 alleles (0.00037%); highest among the groups gnomAD compares: African/African-American, 0.0067%; no homozygotes.

Submission:

Labcorp Genetics (formerly Invitae), Labcorp
Classification: Uncertain significance. Last evaluated: 2023-11-16. Review status: criteria provided, single submitter. Criteria: Invitae Variant Classification Sherloc (09022015). Collection method: clinical testing. Allele origin: germline.
Comment: This sequence change replaces glutamine, which is neutral and polar, with glutamic acid, which is acidic and polar, at codon 126 of the MGME1 protein (p.Gln126Glu). This variant is present in population databases (rs763882220, gnomAD 0.01%). This variant has not been reported in the literature in individuals affected with MGME1-related conditions. ClinVar contains an entry for this variant (Variation ID: 1987889). Advanced modeling of protein sequence and biophysical properties (such as structural, functional, and spatial information, amino acid conservation, physicochemical variation, residue mobility, and thermodynamic stability) performed at Invitae indicates that this missense variant is not expected to disrupt MGME1 protein function with a negative predictive value of 80%. In summary, the available evidence is currently insufficient to determine the role of this variant in disease. Therefore, it has been classified as a Variant of Uncertain Significance.

NM_052865.4(MGME1):c.376C>G (p.Gln126Glu)

Genes: MGME1 (mitochondrial genome maintenance exonuclease 1; plus strand), LOC126862983 (CDK7 strongly-dependent group 2 enhancer GRCh37_chr20:17950167-17951366; plus strand). Cytogenetic location: 20p11.23.
Variant type: single nucleotide variant.
Coding change: c.376C>G on transcript NM_052865.4 (MANE Select); coding-DNA position 376, C replaced by G.
Protein change: p.Gln126Glu; replaces glutamine 126 with glutamic acid.
Molecular consequence: missense variant. On other transcripts: intron variant (1).
Genome position (GRCh38, 1-based): chr20:17,970,235, C>G. VCF-style: chr20-17970235-C-G. GRCh37 (hg19) VCF-style: chr20-17950878-C-G.
Other names: c.376C>G, p.Gln126Glu (NM_001310338.2, NM_001310339.2); c.271+105C>G (NM_001363738.2); short protein forms Q126E.
Identifiers: ClinVar variation 1987889 (VCV001987889.2), dbSNP rs763882220, ClinGen allele CA9774918.